The following is an entry in ClinVar:

NM_025193.4(HSD3B7):c.944A>G (p.Tyr315Cys)

Gene: HSD3B7 (hydroxy-delta-5-steroid dehydrogenase, 3 beta- and steroid delta-isomerase 7; plus strand). Cytogenetic location: 16p11.2.
Variant type: single nucleotide variant.
Coding change: c.944A>G on transcript NM_025193.4 (MANE Select); coding-DNA position 944, A replaced by G.
Protein change: p.Tyr315Cys; replaces tyrosine 315 with cysteine.
Molecular consequence: missense variant. On other transcripts: 3 prime UTR variant (2).
Genome position (GRCh38, 1-based): chr16:30,988,017, A>G. VCF-style: chr16-30988017-A-G. GRCh37 (hg19) VCF-style: chr16-30999338-A-G.
Other names: c.*190A>G (NM_001142777.2, NM_001142778.2); short protein forms Y315C.
Identifiers: ClinVar variation 3107185 (VCV003107185.2), dbSNP rs749506099, ClinGen allele CA8018142.

ClinVar aggregate classification (germline): Uncertain significance. Review status: criteria provided, multiple submitters, no conflicts (2 of 4 stars). 2 submissions from 2 submitters: Uncertain significance (2). Last evaluated 2026-01-21.

Conditions:
Inborn genetic diseases. Identifiers: MedGen C0950123, MeSH D030342.

Allele frequency attached by ClinVar (database versions not stated): gnomAD exomes below 0.00001; ExAC 0.00001; gnomAD 0.00001; TOPMed 0.00003.

Submissions (2):

Labcorp Genetics (formerly Invitae), Labcorp
Classification: Uncertain significance. Last evaluated: 2026-01-21. Review status: criteria provided, single submitter. Criteria: Invitae Variant Classification Sherloc (09022015). Collection method: clinical testing. Allele origin: germline.
Comment: This sequence change replaces tyrosine, which is neutral and polar, with cysteine, which is neutral and slightly polar, at codon 315 of the HSD3B7 protein (p.Tyr315Cys). This variant is present in population databases (rs749506099, gnomAD 0.0008%). This variant has not been reported in the literature in individuals affected with HSD3B7-related conditions. ClinVar contains an entry for this variant (Variation ID: 3107185). Invitae Evidence Modeling of protein sequence and biophysical properties (such as structural, functional, and spatial information, amino acid conservation, physicochemical variation, residue mobility, and thermodynamic stability) indicates that this missense variant is expected to disrupt HSD3B7 protein function with a positive predictive value of 80%. In summary, the available evidence is currently insufficient to determine the role of this variant in disease. Therefore, it has been classified as a Variant of Uncertain Significance.

Ambry Genetics
Classification: Uncertain significance for Inborn genetic diseases. Last evaluated: 2021-08-10. Review status: criteria provided, single submitter. Criteria: Ambry Variant Classification Scheme 2023. Collection method: clinical testing. Allele origin: germline.